The following is an entry in ClinVar:

ClinVar aggregate classification (germline): Uncertain significance (1 of 4 stars; one submission).

Conditions:
KSR2-related disorder. Also called: KSR2-related condition.

gnomAD v4.1: 13 of 1,613,586 alleles (0.00081%); highest among the groups gnomAD compares: Non-Finnish European, 0.0011%; no homozygotes.

Submission:

PreventionGenetics, part of Exact Sciences
Classification: Uncertain significance for KSR2-related condition. Last evaluated: 2026-03-13. Review status: criteria provided, single submitter. Criteria: ACMG Guidelines, 2015. Collection method: clinical testing. Allele origin: germline.
Comment: The KSR2 c.1687A>G variant is predicted to result in the amino acid substitution p.Ile563Val. To our knowledge, this variant has not been reported in the literature. This variant is reported in 0.0018% of alleles in individuals of European (Non-Finnish) descent in gnomAD. At this time, the clinical significance of this variant is uncertain due to the absence of conclusive functional and genetic evidence.

NM_173598.6(KSR2):c.1774A>G (p.Ile592Val)

Gene: KSR2 (kinase suppressor of ras 2; minus strand). Cytogenetic location: 12q24.22.
Variant type: single nucleotide variant.
Coding change: c.1774A>G on transcript NM_173598.6 (MANE Select); coding-DNA position 1774, A replaced by G.
Protein change: p.Ile592Val; replaces isoleucine 592 with valine.
Molecular consequence: missense variant.
Genome position (GRCh38, 1-based): chr12:117,530,969, T>C on the plus strand (A>G on the coding strand, the complement: KSR2 is on the minus strand). VCF-style: chr12-117530969-T-C. GRCh37 (hg19) VCF-style: chr12-117968774-T-C.
Other names: short protein forms I592V.
Identifiers: ClinVar variation 4984694 (VCV004984694.1).
Genomic context (GRCh38, chr12:117,530,969, plus strand): 5'-GGAAAGGGGGAAGATGTCTCTGTCTCACTTACATTGGATTCGAGGTCACCGGATGCAGGA[T>C]GACCTGGGGCGCCCGGGTCGGCGTCTCCGGCACCGGCACCACATCTGAAAACCAGAGATT-3'
Protein context (NP_775869.4, residues 582-602): PETPTRAPQV[Ile592Val]LHPVTSNPIL